The following is an entry in ClinVar:

ClinVar aggregate classification (germline): Conflicting classifications of pathogenicity. Review status: criteria provided, conflicting classifications (1 of 4 stars). 3 submissions from 3 submitters: Likely pathogenic (1); Uncertain significance (2). Last evaluated 2021-05-06.

Conditions:
Dilated cardiomyopathy 1G (CMD1G). Identifiers: Orphanet 154, MedGen C1858763, MONDO:0011400, OMIM 604145.

Allele frequency attached by ClinVar (database versions not stated): gnomAD exomes below 0.00001.

Submissions (3):

Victorian Clinical Genetics Services, Murdoch Childrens Research Institute
Classification: Likely pathogenic for Dilated cardiomyopathy 1G. Last evaluated: 2021-05-06. Review status: criteria provided, single submitter. Criteria: ACMG Guidelines, 2015. Collection method: clinical testing. Allele origin: germline.
Comment: Based on the classification scheme VCGS_Germline_v1.3.4, this variant is classified as Likely Pathogenic. Following criteria are met: 0103 - Loss of function is known mechanism of disease in this gene. In addition, dominant-negative is also a suggested mechanism as not all truncated transcripts in dilated cardiomyopathy (DCM) undergo nonsense mediated decay (PMID: 25589632). (I) 0108 - This gene is associated with both recessive and dominant disease. (I) 0112 - The condition associated with this gene has incomplete penetrance. Null variants have been reported to have incomplete penetrance in DCM (PMID: 25589632, 28045975). (I) 0201 - Variant is predicted to cause nonsense-mediated decay (NMD) and loss of protein (premature termination codon is located at least 54 nucleotides upstream of the final exon-exon junction). (SP) 0251 - This variant is heterozygous. (I) 0301 - Variant is absent from gnomAD (both v2 and v3). (SP) 0600 - Variant is located in the annotated I-band whose exon has a PSI of 100 (PMID: 25589632). (I) 0703 - Other NMD-predicted variants comparable to the one identified in this case have moderate previous evidence for pathogenicity (ClinVar). (SP) 0803 - This variant has limited previous evidence of pathogenicity in unrelated individuals. It has been identified in at least two DCM patients (ClinVar). (SP) 0905 - No published segregation evidence has been identified for this variant. (I) 1007 - No published functional evidence has been identified for this variant. (I) 0112 - The condition associated with this gene has incomplete penetrance. TTN NMD-predicted variants have been reported to have incomplete penetrance for DCM (PMIDs: 25589632, 28045975). (I) 1208 - Inheritance information for this variant is not currently available in this individual. (I) Legend: (SP) - Supporting pathogenic, (I) - Information, (SB) - Supporting benign

Stanford Center for Inherited Cardiovascular Disease, Stanford University
Classification: Uncertain significance. Last evaluated: 2015-03-18. Review status: criteria provided, single submitter. Criteria: ACMG Guidelines, 2015. Collection method: provider interpretation. Allele origin: germline.

GeneDx
Classification: Uncertain significance. Last evaluated: 2014-04-28. Review status: criteria provided, single submitter. Criteria: GeneDx Variant Classification (06012015). Collection method: clinical testing. Allele origin: germline. Affected: yes.
Comment: c.38804_38805delAA: p.Glu12935GlyfsX2 (E12935GfsX2) in exon 186 of the TTN gene (NM_001256850.1). The normal sequence with the bases that are deleted in braces is: TCAG{AA}GCTA.The c.38804_38805delAA variant in the TTN gene has not been reported previously as a disease-causing mutation or as a benign polymorphism, to our knowledge. c.38804_38805delAA causes a shift in reading frame starting at codon Glutamic acid 12935, changing it to a Glycine, and creating a premature stop codon at position 2 of the new reading frame, denoted p.Glu12935GlyfsX2. This mutation is expected to result in either an abnormal, truncated protein product or loss of protein from this allele through nonsense-mediated mRNA decay. However, other truncating TTN variants have been reported in approximately 3% of control alleles (Herman D et al., 2012). Furthermore, c.38804_38805delAA is not located in the A-band region of TTN, where the majority of truncating mutations associated with DCM have been reported (Herman D et al., 2012). Therefore, based on the currently available information, it is unclear whether this variant is a pathogenic mutation or a rare benign variant. The variant is found in CARDIOMYOPATHY panel(s).

Literature cited by the submitters: PubMed 25589632 (cited by Victorian Clinical Genetics Services, Murdoch Childrens Research Institute); PubMed 28045975 (cited by Victorian Clinical Genetics Services, Murdoch Childrens Research Institute).

NM_001267550.2(TTN):c.43727_43728del (p.Glu14576fs)

Gene: TTN (titin; minus strand). Cytogenetic location: 2q31.2.
Variant type: Deletion.
Coding change: c.43727_43728del on transcript NM_001267550.2 (MANE Select); coding-DNA positions 43727 to 43728, 2 bases deleted (AA; older notation c.43727_43728delAA).
Protein change: p.Glu14576fs; shifts the reading frame from glutamic acid 14576.
Molecular consequence: frameshift variant.
Genome position (GRCh38, 1-based): chr2:178,632,166-178,632,167, TT deleted on the plus strand (AA on the coding strand, the reverse complement: TTN is on the minus strand). VCF-style (leftmost placement, unchanged base first): chr2-178632165-CTT-C. GRCh37 (hg19) VCF-style: chr2-179496892-CTT-C.
Other names: c.38804_38805del, p.Glu12935fs (NM_001256850.1); c.16532_16533del, p.Glu5511fs (NM_003319.4); c.36023_36024del, p.Glu12008fs (NM_133378.4); c.16907_16908del, p.Glu5636fs (NM_133432.3); c.17108_17109del, p.Glu5703fs (NM_133437.4); c.38804_38805delAA (NM_001256850.1); c.43727_43728delAA (NM_001267550.1); short protein forms E12935fs, E12008fs, E5511fs, E5636fs, E5703fs, E14576fs.
Identifiers: ClinVar variation 202442 (VCV000202442.4), dbSNP rs794729316, ClinGen allele CA309401.